The following is an entry in ClinVar:

NM_006393.3(NEBL):c.28A>G (p.Lys10Glu)

Gene: NEBL (nebulette; minus strand). Cytogenetic location: 10p12.31.
Variant type: single nucleotide variant.
Coding change: c.28A>G on transcript NM_006393.3 (MANE Select); coding-DNA position 28, A replaced by G.
Protein change: p.Lys10Glu; replaces lysine 10 with glutamic acid.
Molecular consequence: missense variant. On other transcripts: intron variant (9).
Genome position (GRCh38, 1-based): chr10:20,897,178, T>C on the plus strand (A>G on the coding strand, the complement: NEBL is on the minus strand). VCF-style: chr10-20897178-T-C. GRCh37 (hg19) VCF-style: chr10-21186107-T-C.
Other names: c.249+64494A>G (NM_001377326.1, NM_001377327.1, NM_001377328.1); c.357+64494A>G (NM_213569.2, NM_001173484.2, NM_001377322.1); c.300+64494A>G (NM_001377324.1); c.291+64494A>G (NM_001377325.1); c.309+64494A>G (NM_001377323.1); short protein forms K10E.
Identifiers: ClinVar variation 2164646 (VCV002164646.5), dbSNP rs1297711109, ClinGen allele CA376098904.

ClinVar aggregate classification (germline): Uncertain significance. Review status: criteria provided, multiple submitters, no conflicts (2 of 4 stars). 2 submissions from 2 submitters: Uncertain significance (2). Last evaluated 2024-03-20.

Conditions:
Primary dilated cardiomyopathy (DCM). Also called: Dilated Cardiomyopathy. Identifiers: Orphanet 217604, MedGen C0007193, MeSH D002311, MONDO:0005021, HP:0001644. Inheritance: Various modes of inheritance.

Allele frequency attached by ClinVar (database versions not stated): gnomAD exomes below 0.00001; gnomAD 0.00001; TOPMed 0.00001.
gnomAD v4.1: 4 of 1,605,588 alleles (0.00025%); highest among the groups gnomAD compares: East Asian, 0.0045%; no homozygotes.

Submissions (2):

Ambry Genetics
Classification: Uncertain significance. Last evaluated: 2024-03-20. Review status: criteria provided, single submitter. Criteria: Ambry Variant Classification Scheme 2023. Collection method: clinical testing. Allele origin: germline.
Comment: The p.K10E variant (also known as c.28A>G), located in coding exon 1 of the NEBL gene, results from an A to G substitution at nucleotide position 28. The lysine at codon 10 is replaced by glutamic acid, an amino acid with similar properties. This amino acid position is conserved. In addition, this alteration is predicted to be tolerated by in silico analysis. Based on the available evidence, the clinical significance of this alteration remains unclear.

Labcorp Genetics (formerly Invitae), Labcorp
Classification: Uncertain significance for Primary dilated cardiomyopathy. Last evaluated: 2022-07-17. Review status: criteria provided, single submitter. Criteria: Invitae Variant Classification Sherloc (09022015). Collection method: clinical testing. Allele origin: germline.
Comment: In summary, the available evidence is currently insufficient to determine the role of this variant in disease. Therefore, it has been classified as a Variant of Uncertain Significance. Algorithms developed to predict the effect of missense changes on protein structure and function (SIFT, PolyPhen-2, Align-GVGD) all suggest that this variant is likely to be tolerated. This variant has not been reported in the literature in individuals affected with NEBL-related conditions. This variant is present in population databases (no rsID available, gnomAD 0.006%). This sequence change replaces lysine, which is basic and polar, with glutamic acid, which is acidic and polar, at codon 10 of the NEBL protein (p.Lys10Glu).